The following is an entry in ClinVar:

ClinVar aggregate classification (germline): Pathogenic (1 of 4 stars; one submission).

Conditions:
Maple syrup urine disease type 1B (MSUD1B). Also called: MSUD type IB; MSUD type 3 (formerly); MSUD due to deficiency of e1-beta subunit of branched-chain alpha-keto acid dehydrogenase complex. Identifiers: MedGen C2930990, MONDO:0023692, OMIM 620698.

Submission:

Myriad Genetics, Inc.
Classification: Pathogenic for Maple syrup urine disease type 1B. Last evaluated: 2026-06-09. Review status: criteria provided, single submitter. Criteria: Myriad Autosomal Dominant, Autosomal Recessive and X-Linked Classification Criteria (2023). Collection method: clinical testing. Allele origin: unknown.
Comment: NM_183050.2(BCKDHB):c.653delC(P218Lfs*12) is expected to be pathogenic in the context of maple syrup urine disease type Ib. This variant is predicted to lead to an abnormal or absent protein product due to the creation of a premature termination codon in BCKDHB, a gene where loss-of-function variants are known to be pathogenic. Please note: this variant was assessed in the context of healthy population screening.

NM_183050.4(BCKDHB):c.653del (p.Pro218fs)

Gene: BCKDHB (branched chain keto acid dehydrogenase E1 subunit beta; plus strand). Cytogenetic location: 6q14.1.
Variant type: Deletion.
Coding change: c.653del on transcript NM_183050.4 (MANE Select); coding-DNA position 653, one base deleted (C; older notation c.653delC).
Protein change: p.Pro218fs; shifts the reading frame from proline 218.
Molecular consequence: frameshift variant. On other transcripts: non-coding transcript variant (4).
Genome position (GRCh38, 1-based): chr6:80,171,301, C deleted; the last of 3 consecutive C bases (chr6:80,171,299-80,171,301); deleting any one gives the same sequence. VCF-style (leftmost placement, unchanged base first): chr6-80171298-GC-G. GRCh37 (hg19) VCF-style: chr6-80881015-GC-G.
Other names: c.653del, p.Pro218fs (NM_000056.5, NM_001424035.1, NM_001424036.1 and 7 more transcripts); c.443del, p.Pro148fs (NM_001318975.1, NM_001424043.1); short protein forms P148fs, P218fs.
Identifiers: ClinVar variation 5016010 (VCV005016010.1).